The following is an entry in ClinVar:

NM_181507.2(HPS5):c.2375del (p.Glu792fs)

Gene: HPS5 (HPS5 biogenesis of lysosomal organelles complex 2 subunit 2; minus strand). Cytogenetic location: 11p15.1.
Variant type: Deletion.
Coding change: c.2375del on transcript NM_181507.2 (MANE Select); coding-DNA position 2375, one base deleted (A; older notation c.2375delA).
Protein change: p.Glu792fs; shifts the reading frame from glutamic acid 792.
Molecular consequence: frameshift variant.
Genome position (GRCh38, 1-based): chr11:18,291,507, T deleted on the plus strand (A on the coding strand, the reverse complement: HPS5 is on the minus strand). VCF-style (leftmost placement, unchanged base first): chr11-18291506-CT-C. GRCh37 (hg19) VCF-style: chr11-18313053-CT-C.
Other names: c.2033del, p.Glu678fs (NM_007216.4); c.2033delA, p.Glu678Glyfs (NM_181508.2); short protein forms E678fs, E792fs.
Identifiers: ClinVar variation 2630388 (VCV002630388.4), dbSNP rs758338350, ClinGen allele CA5909871.

ClinVar aggregate classification (germline): Pathogenic/Likely pathogenic. Review status: criteria provided, multiple submitters, no conflicts (2 of 4 stars). 2 submissions from 2 submitters: Pathogenic (1); Likely pathogenic (1). Last evaluated 2025-09-30.

Conditions:
HPS5-related disorder. Also called: HPS5-related condition.

Allele frequency attached by ClinVar (database versions not stated): ExAC 0.00001; gnomAD exomes 0.00001.

Submissions (2):

Labcorp Genetics (formerly Invitae), Labcorp
Classification: Pathogenic. Last evaluated: 2025-09-30. Review status: criteria provided, single submitter. Criteria: Invitae Variant Classification Sherloc (09022015). Collection method: clinical testing. Allele origin: germline.
Comment: This sequence change creates a premature translational stop signal (p.Glu792Glyfs*21) in the HPS5 gene. It is expected to result in an absent or disrupted protein product. Loss-of-function variants in HPS5 are known to be pathogenic (PMID: 12548288, 15296495, 21833017, 26785811). This variant is present in population databases (rs758338350, gnomAD 0.0009%). This variant has not been reported in the literature in individuals affected with HPS5-related conditions. ClinVar contains an entry for this variant (Variation ID: 2630388). For these reasons, this variant has been classified as Pathogenic.

PreventionGenetics, part of Exact Sciences
Classification: Likely pathogenic for HPS5-related condition. Last evaluated: 2023-03-06. Review status: criteria provided, single submitter. Criteria: ACMG Guidelines, 2015. Collection method: clinical testing. Allele origin: germline.
Comment: The HPS5 c.2375delA variant is predicted to result in a frameshift and premature protein termination (p.Glu792Glyfs*21). To our knowledge, this variant has not been reported in the literature. This variant is reported in 0.00088% of alleles in individuals of European (Non-Finnish) descent in gnomAD. Frameshift variants in HPS5 are expected to be pathogenic. This variant is interpreted as likely pathogenic.

Literature cited by the submitters: PubMed 12548288 (cited by Labcorp Genetics (formerly Invitae), Labcorp); PubMed 15296495 (cited by Labcorp Genetics (formerly Invitae), Labcorp); PubMed 21833017 (cited by Labcorp Genetics (formerly Invitae), Labcorp); PubMed 26785811 (cited by Labcorp Genetics (formerly Invitae), Labcorp).